The following is an entry in ClinVar:

ClinVar aggregate classification (germline): Uncertain significance. Review status: criteria provided, multiple submitters, no conflicts (2 of 4 stars). 3 submissions from 3 submitters: Uncertain significance (3). Last evaluated 2025-08-25.

Conditions:
Inborn genetic diseases. Identifiers: MedGen C0950123, MeSH D030342.
Immunodeficiency 104. Also called: SCID, AUTOSOMAL RECESSIVE, T CELL-NEGATIVE, B CELL-POSITIVE, NK CELL-POSITIVE; Severe Combined Immune Deficiency, Autosomal Recessive, TCell -Negative, B Cell-Positive, NK Cell-Positive, IL7R-Related; Severe combined immunodeficiency, autosomal recessive, T cell-negative, B cell-positive, NK cell-positive; IMMUNODEFICIENCY 104, SEVERE COMBINED. Identifiers: MedGen C5676890, MONDO:0012163, OMIM 608971.

Allele frequency attached by ClinVar (database versions not stated): ExAC 0.00002; gnomAD exomes 0.00002; TOPMed 0.00002; gnomAD 0.00003 and 0.00004; ESP Exome Variant Server 0.00008.
gnomAD v4.1: 76 of 1,603,516 alleles (0.0047%); highest among the groups gnomAD compares: Non-Finnish European, 0.0061%; no homozygotes.

Submissions (3):

Ambry Genetics
Classification: Uncertain significance for Inborn genetic diseases. Last evaluated: 2025-08-25. Review status: criteria provided, single submitter. Criteria: Ambry Variant Classification Scheme 2023. Collection method: clinical testing. Allele origin: germline.

Labcorp Genetics (formerly Invitae), Labcorp
Classification: Uncertain significance for Immunodeficiency 104. Last evaluated: 2024-10-29. Review status: criteria provided, single submitter. Criteria: Invitae Variant Classification Sherloc (09022015). Collection method: clinical testing. Allele origin: germline.
Comment: This sequence change replaces arginine, which is basic and polar, with tryptophan, which is neutral and slightly polar, at codon 774 of the PTPRC protein (p.Arg774Trp). This variant is present in population databases (rs200672643, gnomAD 0.006%). This variant has not been reported in the literature in individuals affected with PTPRC-related conditions. ClinVar contains an entry for this variant (Variation ID: 575879). An algorithm developed to predict the effect of missense changes on protein structure and function (PolyPhen-2) suggests that this variant is likely to be disruptive. In summary, the available evidence is currently insufficient to determine the role of this variant in disease. Therefore, it has been classified as a Variant of Uncertain Significance.

ARUP Laboratories, Molecular Genetics and Genomics, ARUP Laboratories
Classification: Uncertain significance. Last evaluated: 2018-01-24. Review status: criteria provided, single submitter. Criteria: ARUP Molecular Germline Variant Investigation Process. Collection method: clinical testing. Allele origin: germline.
Comment: The PTPRC c.2320C>T; p.Arg774Trp variant (rs200672643), to our knowledge, is not reported in the medical literature, gene specific variation databases, nor has it been previously identified by our laboratory. This variant is listed in the genome Aggregation Database (gnomAD) with an overall population frequency of 0.003% (identified on 8 out of 274,762 chromosomes). The arginine at position 774 is weakly conserved, considering 12 species, and computational analyses of the effects of the p.Arg774Trp variant on protein structure and function predict a deleterious effect (SIFT: damaging, PolyPhen-2: probably damaging). Based on the available information, the clinical significance of the p.Arg774Trp variant cannot be determined with certainty.

NM_002838.5(PTPRC):c.2320C>T (p.Arg774Trp)

Gene: PTPRC (protein tyrosine phosphatase receptor type C; plus strand). Cytogenetic location: 1q32.1.
Variant type: single nucleotide variant.
Coding change: c.2320C>T on transcript NM_002838.5 (MANE Select); coding-DNA position 2320, C replaced by T.
Protein change: p.Arg774Trp; replaces arginine 774 with tryptophan.
Molecular consequence: missense variant.
Genome position (GRCh38, 1-based): chr1:198,735,169, C>T. VCF-style: chr1-198735169-C-T. GRCh37 (hg19) VCF-style: chr1-198704298-C-T.
Other names: c.1837C>T, p.Arg613Trp (NM_080921.4); c.2314C>T (NM_002838.3); short protein forms R774W, R613W.
Identifiers: ClinVar variation 575879 (VCV000575879.14), dbSNP rs200672643, ClinGen allele CA1315080.
Genomic context (GRCh38, chr1:198,735,169, plus strand): 5'-TAATTTTTTAAAATGTAGAACAAGTGTGCAGAATACTGGCCGTCAATGGAAGAGGGCACT[C>T]GGGCTTTTGGAGATGTTGTTGTAAAGATCAACCAGCACAAAAGATGTCCAGATTACATCA-3'
Protein context (NP_002829.3, residues 764-784): EYWPSMEEGT[Arg774Trp]AFGDVVVKIN